The following is an entry in ClinVar:

NM_000092.5(COL4A4):c.1504C>G (p.Pro502Ala)

Gene: COL4A4 (collagen type IV alpha 4 chain; minus strand). Cytogenetic location: 2q36.3.
Variant type: single nucleotide variant.
Coding change: c.1504C>G on transcript NM_000092.5 (MANE Select); coding-DNA position 1504, C replaced by G.
Protein change: p.Pro502Ala; replaces proline 502 with alanine.
Molecular consequence: missense variant.
Genome position (GRCh38, 1-based): chr2:227,088,772, G>C on the plus strand (C>G on the coding strand, the complement: COL4A4 is on the minus strand). VCF-style: chr2-227088772-G-C. GRCh37 (hg19) VCF-style: chr2-227953488-G-C.
Other names: short protein forms P502A.
Identifiers: ClinVar variation 2200367 (VCV002200367.7), dbSNP rs767258671, ClinGen allele CA2145142.

ClinVar aggregate classification (germline): Conflicting classifications of pathogenicity. Review status: criteria provided, conflicting classifications (1 of 4 stars). 3 submissions from 3 submitters: Uncertain significance (2); Likely benign (1). Last evaluated 2026-01-09.

Conditions:
Autosomal recessive Alport syndrome (ATS2). Also called: Alport syndrome type 2; COL4A3-Related Nephropathy; COL4A4 Alport Syndrome and Thin Basement Membrane Nephropathy; ALPORT SYNDROME 2, AUTOSOMAL RECESSIVE. Identifiers: Orphanet 63, Orphanet 88919, MedGen C4746745, MONDO:0008762, OMIM 203780.
Hematuria, benign familial, 1 (BFH1). Also called: THIN MEMBRANE NEPHROPATHY. Identifiers: MedGen CN376803, MONDO:0007709, OMIM 141200.

gnomAD v4.1: 20 of 1,614,126 alleles (0.0012%); highest among the groups gnomAD compares: Admixed American, 0.033%; no homozygotes.

Submissions (3):

GeneDx
Classification: Uncertain significance. Last evaluated: 2026-01-09. Review status: criteria provided, single submitter. Criteria: GeneDx Variant Classification Process June 2021. Collection method: clinical testing. Allele origin: germline.
Comment: In silico analysis suggests that this missense variant does not alter protein structure/function; Has not been previously published as pathogenic or benign to our knowledge; Occurs in the triple helical domain at the Y position in the canonical Gly-X-Y repeat; although this variant may have an effect on normal protein folding and function, missense substitution at the Y position is not a common mechanism of disease

Labcorp Genetics (formerly Invitae), Labcorp
Classification: Likely benign. Last evaluated: 2026-01-05. Review status: criteria provided, single submitter. Criteria: Invitae Variant Classification Sherloc (09022015). Collection method: clinical testing. Allele origin: germline.

Fulgent Genetics
Classification: Uncertain significance for Hematuria, benign familial, 1; Autosomal recessive Alport syndrome. Last evaluated: 2024-04-22. Review status: criteria provided, single submitter. Criteria: ACMG Guidelines, 2015. Collection method: clinical testing. Allele origin: germline.